The following is an entry in ClinVar:

ClinVar aggregate classification (germline): Uncertain significance. Review status: criteria provided, multiple submitters, no conflicts (2 of 4 stars). 2 submissions from 2 submitters: Uncertain significance (2). Last evaluated 2024-07-14.

Conditions:
Inborn genetic diseases. Identifiers: MedGen C0950123, MeSH D030342.
Nemaline myopathy 10 (NEM10). Identifiers: MedGen C4015360, MONDO:0014513, OMIM 616165.

Allele frequency attached by ClinVar (database versions not stated): ExAC below 0.00001; gnomAD 0.00001; gnomAD exomes 0.00001; TOPMed 0.00002.
gnomAD v4.1: 57 of 1,548,562 alleles (0.0037%); highest among the groups gnomAD compares: Non-Finnish European, 0.0047%; no homozygotes.

Submissions (2):

Ambry Genetics
Classification: Uncertain significance for Inborn genetic diseases. Last evaluated: 2024-07-14. Review status: criteria provided, single submitter. Criteria: Ambry Variant Classification Scheme 2023. Collection method: clinical testing. Allele origin: germline.

Labcorp Genetics (formerly Invitae), Labcorp
Classification: Uncertain significance for Nemaline myopathy 10. Last evaluated: 2022-01-07. Review status: criteria provided, single submitter. Criteria: Invitae Variant Classification Sherloc (09022015). Collection method: clinical testing. Allele origin: germline.
Comment: This sequence change replaces aspartic acid, which is acidic and polar, with asparagine, which is neutral and polar, at codon 155 of the LMOD3 protein (p.Asp155Asn). This variant is present in population databases (rs767649855, gnomAD 0.003%). This variant has not been reported in the literature in individuals affected with LMOD3-related conditions. ClinVar contains an entry for this variant (Variation ID: 999605). Algorithms developed to predict the effect of missense changes on protein structure and function (SIFT, PolyPhen-2, Align-GVGD) all suggest that this variant is likely to be tolerated. In summary, the available evidence is currently insufficient to determine the role of this variant in disease. Therefore, it has been classified as a Variant of Uncertain Significance.

NM_198271.5(LMOD3):c.463G>A (p.Asp155Asn)

Gene: LMOD3 (leiomodin 3; minus strand). Cytogenetic location: 3p14.1.
Variant type: single nucleotide variant.
Coding change: c.463G>A on transcript NM_198271.5 (MANE Select); coding-DNA position 463, G replaced by A.
Protein change: p.Asp155Asn; replaces aspartic acid 155 with asparagine.
Molecular consequence: missense variant.
Genome position (GRCh38, 1-based): chr3:69,119,892, C>T on the plus strand (G>A on the coding strand, the complement: LMOD3 is on the minus strand). VCF-style: chr3-69119892-C-T. GRCh37 (hg19) VCF-style: chr3-69169043-C-T.
Other names: c.463G>A, p.Asp155Asn (NM_001304418.3); c.463G>A (NM_198271.3); short protein forms D155N.
Identifiers: ClinVar variation 999605 (VCV000999605.5), dbSNP rs767649855, ClinGen allele CA2488978.